The following is an entry in ClinVar:

NM_001040108.2(MLH3):c.1478A>T (p.Glu493Val)

Gene: MLH3 (mutL homolog 3; minus strand). Cytogenetic location: 14q24.3.
Variant type: single nucleotide variant.
Coding change: c.1478A>T on transcript NM_001040108.2 (MANE Select); coding-DNA position 1478, A replaced by T.
Protein change: p.Glu493Val; replaces glutamic acid 493 with valine.
Molecular consequence: missense variant.
Genome position (GRCh38, 1-based): chr14:75,048,178, T>A on the plus strand (A>T on the coding strand, the complement: MLH3 is on the minus strand). VCF-style: chr14-75048178-T-A. GRCh37 (hg19) VCF-style: chr14-75514881-T-A.
Other names: c.1478A>T, p.Glu493Val (NM_014381.3); short protein forms E493V.
Identifiers: ClinVar variation 3232443 (VCV003232443.1), dbSNP rs2503294587, ClinGen allele CA390445434.

ClinVar aggregate classification (germline): Uncertain significance (1 of 4 stars; one submission).

Submission:

Ambry Genetics
Classification: Uncertain significance. Last evaluated: 2023-10-04. Review status: criteria provided, single submitter. Criteria: Ambry Variant Classification Scheme 2023. Collection method: clinical testing. Allele origin: germline.
Comment: The p.E493V variant (also known as c.1478A>T), located in coding exon 1 of the MLH3 gene, results from an A to T substitution at nucleotide position 1478. The glutamic acid at codon 493 is replaced by valine, an amino acid with dissimilar properties. This amino acid position is conserved. In addition, this alteration is predicted to be tolerated by in silico analysis. Since supporting evidence is limited at this time, the clinical significance of this alteration remains unclear.